The following is an entry in ClinVar:

ClinVar aggregate classification (germline): Benign/Likely benign. Review status: criteria provided, multiple submitters, no conflicts (2 of 4 stars). 3 submissions from 3 submitters: Benign (1); Likely benign (1). 1 of the submissions does not count toward it. Last evaluated 2026-01-28.

Conditions:
Intellectual disability. Also called: Intellectual developmental disorder; intellectual disabilities; Intellectual functioning disability. Identifiers: MedGen C3714756, MeSH D008607, MONDO:0001071, HP:0001249.

Submissions (3):

Labcorp Genetics (formerly Invitae), Labcorp
Classification: Benign. Last evaluated: 2026-01-28. Review status: criteria provided, single submitter. Criteria: Invitae Variant Classification Sherloc (09022015). Collection method: clinical testing. Allele origin: germline.

CeGaT Center for Human Genetics Tuebingen
Classification: Likely benign. Last evaluated: 2025-02-01. Review status: criteria provided, single submitter. Criteria: CeGaT Center For Human Genetics Tuebingen Variant Classification Criteria Version 2. Collection method: clinical testing. Allele origin: germline. Affected: yes. Observed: 1 variant allele.
Comment: FBXO11: PM4:Supporting, BS1

Centre de Biologie Pathologie Génétique, Centre Hospitalier Universitaire de Lille
Classification: Likely benign for Intellectual disability. Last evaluated: 2019-01-01. Review status: no assertion criteria provided. Collection method: clinical testing. Allele origin: inherited. Affected: yes. Not counted in ClinVar's aggregate classification.

NM_001190274.2(FBXO11):c.221_223del (p.Val74del)

Gene: FBXO11 (F-box protein 11; minus strand). Cytogenetic location: 2p16.3.
Variant type: Deletion.
Coding change: c.221_223del on transcript NM_001190274.2 (MANE Select); coding-DNA positions 221 to 223, 3 bases deleted (TCG; older notation c.221_223delTCG).
Protein change: p.Val74del; deletes valine 74.
Molecular consequence: inframe deletion.
Genome position (GRCh38, 1-based): chr2:47,905,498-47,905,500, CGA deleted on the plus strand (TCG on the coding strand, the reverse complement: FBXO11 is on the minus strand); deleting any 3 consecutive bases within chr2:47,905,498-47,905,502 gives the same sequence; the c. name uses the placement nearest the transcript's 3' end. VCF-style (leftmost placement, unchanged base first): chr2-47905497-CCGA-C. GRCh37 (hg19) VCF-style: chr2-48132636-CCGA-C.
Other names: short protein forms V74del.
Identifiers: ClinVar variation 975694 (VCV000975694.22), dbSNP rs761010339, ClinGen allele CA1650230.